The following is an entry in ClinVar:

ClinVar aggregate classification (germline): Likely benign (1 of 4 stars; one submission).

Allele frequency attached by ClinVar (database versions not stated): gnomAD exomes below 0.00001.
gnomAD v4.1: 1 of 526,272 alleles (0.00019%); highest among the groups gnomAD compares: South Asian, 0.0021%; no homozygotes.

Submission:

CeGaT Center for Human Genetics Tuebingen
Classification: Likely benign. Last evaluated: 2026-09-01. Review status: criteria provided, single submitter. Criteria: CeGaT Center For Human Genetics Tuebingen Variant Classification Criteria Version 2. Collection method: clinical testing. Allele origin: germline. Affected: yes. Observed: 7 variant alleles.
Comment: FMN2: BP4, BP7

NM_020066.5(FMN2):c.3012C>A (p.Pro1004=)

Gene: FMN2 (formin 2; plus strand). Cytogenetic location: 1q43.
Variant type: single nucleotide variant.
Coding change: c.3012C>A on transcript NM_020066.5 (MANE Select); coding-DNA position 3012, C replaced by A.
Protein change: p.Pro1004=; no amino-acid change (proline 1004 retained).
Molecular consequence: synonymous variant. On other transcripts: intron variant (1).
Genome position (GRCh38, 1-based): chr1:240,207,824, C>A. VCF-style: chr1-240207824-C-A. GRCh37 (hg19) VCF-style: chr1-240371124-C-A.
Other names: c.3024C>A, p.Pro1008= (NM_001305424.2); c.1986+19562C>A (NM_001348094.2).
Identifiers: ClinVar variation 3025777 (VCV003025777.22), dbSNP rs1335213498, ClinGen allele CA424385696.